The following is an entry in ClinVar:

ClinVar aggregate classification (germline): Likely benign (0 of 4 stars; one submission).

Conditions:
MED1-related condition.

gnomAD v4.1: 344 of 1,589,344 alleles (0.022%); highest among the groups gnomAD compares: Non-Finnish European, 0.0098%; no homozygotes.

Submission:

PreventionGenetics, part of Exact Sciences
Classification: Likely benign for MED1-related condition. Last evaluated: 2024-08-14. Review status: no assertion criteria provided. Collection method: clinical testing. Allele origin: germline.
Comment: This variant is classified as likely benign based on ACMG/AMP sequence variant interpretation guidelines (Richards et al. 2015 PMID: 25741868, with internal and published modifications).

NM_004774.4(MED1):c.746G>C (p.Arg249Pro)

Gene: MED1 (mediator complex subunit 1; minus strand). Cytogenetic location: 17q12.
Variant type: single nucleotide variant.
Coding change: c.746G>C on transcript NM_004774.4 (MANE Select); coding-DNA position 746, G replaced by C.
Protein change: p.Arg249Pro; replaces arginine 249 with proline.
Molecular consequence: missense variant.
Genome position (GRCh38, 1-based): chr17:39,424,732, C>G on the plus strand (G>C on the coding strand, the complement: MED1 is on the minus strand). VCF-style: chr17-39424732-C-G. GRCh37 (hg19) VCF-style: chr17-37580985-C-G.
Other names: short protein forms R249P.
Identifiers: ClinVar variation 3351571 (VCV003351571.1).
Genomic context (GRCh38, chr17:39,424,732, plus strand): 5'-GGGAGTTTGTACACAGCAGATGTTCCTTCAATTGTCACTGATGCATTCATGCCCAAAGAT[C>G]GAGAAACTGGGGATAGGAAAGAAAAAGGGTATTCCTCAAAGTAATACAAATGATGGGAAT-3'
Protein context (NP_004765.2, residues 239-259): PIILHENNVS[Arg249Pro]SLGMNASVTI